The following is an entry in ClinVar:

ClinVar aggregate classification (germline): Uncertain significance (1 of 4 stars; one submission).

Conditions:
Early Myoclonic Encephalopathy. Identifiers: MedGen C0270855.

Allele frequency attached by ClinVar (database versions not stated): TOPMed below 0.00001.

Submission:

Labcorp Genetics (formerly Invitae), Labcorp
Classification: Uncertain significance for Early Myoclonic Encephalopathy. Last evaluated: 2023-11-24. Review status: criteria provided, single submitter. Criteria: Invitae Variant Classification Sherloc (09022015). Collection method: clinical testing. Allele origin: germline.
Comment: This sequence change replaces lysine, which is basic and polar, with asparagine, which is neutral and polar, at codon 1220 of the JMJD1C protein (p.Lys1220Asn). This variant is not present in population databases (gnomAD no frequency). This variant has not been reported in the literature in individuals affected with JMJD1C-related conditions. Advanced modeling of protein sequence and biophysical properties (such as structural, functional, and spatial information, amino acid conservation, physicochemical variation, residue mobility, and thermodynamic stability) performed at Invitae indicates that this missense variant is expected to disrupt JMJD1C protein function with a positive predictive value of 80%. In summary, the available evidence is currently insufficient to determine the role of this variant in disease. Therefore, it has been classified as a Variant of Uncertain Significance.

NM_032776.3(JMJD1C):c.3660G>C (p.Lys1220Asn)

Gene: JMJD1C (jumonji domain containing 1C; minus strand). Cytogenetic location: 10q21.3.
Variant type: single nucleotide variant.
Coding change: c.3660G>C on transcript NM_032776.3 (MANE Select); coding-DNA position 3660, G replaced by C.
Protein change: p.Lys1220Asn; replaces lysine 1220 with asparagine.
Molecular consequence: missense variant. On other transcripts: non-coding transcript variant (1).
Genome position (GRCh38, 1-based): chr10:63,208,009, C>G on the plus strand (G>C on the coding strand, the complement: JMJD1C is on the minus strand). VCF-style: chr10-63208009-C-G. GRCh37 (hg19) VCF-style: chr10-64967769-C-G.
Other names: c.3114G>C, p.Lys1038Asn (NM_001282948.2, NM_001318154.2); c.2796G>C, p.Lys932Asn (NM_001318153.2); c.3546G>C, p.Lys1182Asn (NM_001322252.2); c.3003G>C, p.Lys1001Asn (NM_001322254.2, NM_001322258.2); short protein forms K1182N, K1001N, K1038N, K1220N, K932N.
Identifiers: ClinVar variation 2698633 (VCV002698633.3), dbSNP rs1846858288, ClinGen allele CA377040713.